The following is an entry in ClinVar:

NM_000138.5(FBN1):c.2047T>A (p.Cys683Ser)

Gene: FBN1 (fibrillin 1; minus strand). Cytogenetic location: 15q21.1.
Variant type: single nucleotide variant.
Coding change: c.2047T>A on transcript NM_000138.5 (MANE Select); coding-DNA position 2047, T replaced by A.
Protein change: p.Cys683Ser; replaces cysteine 683 with serine.
Molecular consequence: missense variant.
Genome position (GRCh38, 1-based): chr15:48,503,853, A>T on the plus strand (T>A on the coding strand, the complement: FBN1 is on the minus strand). VCF-style: chr15-48503853-A-T. GRCh37 (hg19) VCF-style: chr15-48796050-A-T.
Other names: c.2047T>A, p.Cys683Ser (NM_001406716.1); short protein forms C683S.
Identifiers: ClinVar variation 4783805 (VCV004783805.1).

ClinVar aggregate classification (germline): Pathogenic (1 of 4 stars; one submission).

Conditions:
Marfan syndrome (MFS). Also called: FBN1-Related Marfan Syndrome; MARFAN SYNDROME, TYPE I; Marfan syndrome type 1; Marfan's syndrome; Marfan syndrome, classic. Identifiers: Orphanet 284963, Orphanet 558, MedGen C0024796, MONDO:0007947, OMIM 154700.
Familial thoracic aortic aneurysm and aortic dissection (TAAD). Also called: Thoracic aortic aneurysms and dissections. Identifiers: Orphanet 91387, MedGen C4707243, MONDO:0019625.

Submission:

Labcorp Genetics (formerly Invitae), Labcorp
Classification: Pathogenic for Marfan syndrome; Familial thoracic aortic aneurysm and aortic dissection. Last evaluated: 2025-08-20. Review status: criteria provided, single submitter. Criteria: Invitae Variant Classification Sherloc (09022015). Collection method: clinical testing. Allele origin: germline.
Comment: This sequence change replaces cysteine, which is neutral and slightly polar, with serine, which is neutral and polar, at codon 683 of the FBN1 protein (p.Cys683Ser). This variant is not present in population databases (gnomAD no frequency). This missense change has been observed in individuals with clinical features of Marfan syndrome (PMID: 27906200; internal data). Invitae Evidence Modeling of protein sequence and biophysical properties (such as structural, functional, and spatial information, amino acid conservation, physicochemical variation, residue mobility, and thermodynamic stability) indicates that this missense variant is expected to disrupt FBN1 protein function with a positive predictive value of 95%. This variant affects a cysteine residue in the EGF-like, TGFBP or hybrid motif domains of FBN1. Cysteine residues are believed to be involved in intramolecular disulfide bridges and have been shown to be important for FBN1 protein structure (PMID: 16905551, 19349279). In addition, missense substitutions affecting cysteine residues within these domains are significantly overrepresented among patients with Marfan syndrome (PMID: 16571647, 17701892). For these reasons, this variant has been classified as Pathogenic.

Literature cited by the submitters: PubMed 27906200; PubMed 16905551; PubMed 19349279; PubMed 16571647; PubMed 17701892.